The following is an entry in ClinVar:

NM_017780.4(CHD7):c.7678C>T (p.Pro2560Ser)

Gene: CHD7 (chromodomain helicase DNA binding protein 7; plus strand). Cytogenetic location: 8q12.2.
Variant type: single nucleotide variant.
Coding change: c.7678C>T on transcript NM_017780.4 (MANE Select); coding-DNA position 7678, C replaced by T.
Protein change: p.Pro2560Ser; replaces proline 2560 with serine.
Molecular consequence: missense variant. On other transcripts: intron variant (1).
Genome position (GRCh38, 1-based): chr8:60,860,973, C>T. VCF-style: chr8-60860973-C-T. GRCh37 (hg19) VCF-style: chr8-61773532-C-T.
Other names: c.1717-1256C>T (NM_001316690.1); c.7678C>T (NM_017780.3); short protein forms P2560S.
Identifiers: ClinVar variation 1054188 (VCV001054188.11), dbSNP rs748036782, ClinGen allele CA4760862.

ClinVar aggregate classification (germline): Conflicting classifications of pathogenicity. Review status: criteria provided, conflicting classifications (1 of 4 stars). 3 submissions from 3 submitters: Uncertain significance (2); Likely benign (1). Last evaluated 2025-10-24.

Conditions:
CHARGE syndrome (CHARGE). Also called: Hittner Hirsch Kreh syndrome; CHARGE ASSOCIATION--COLOBOMA, HEART ANOMALY, CHOANAL ATRESIA, RETARDATION, GENITAL AND EAR ANOMALIES; Coloboma, heart anomaly, choanal atresia, retardation, genital and ear anomalies; CHARGE association; Hall-Hittner syndrome. Identifiers: Orphanet 138, MedGen C0265354, MONDO:0008965.
Hypogonadotropic hypogonadism 5 with or without anosmia (KAL5). Also called: HYPOGONADOTROPIC HYPOGONADISM 5 WITH ANOSMIA; HYPOGONADOTROPHIC HYPOGONADISM 5 WITHOUT ANOSMIA; CHD7-Related GnRH Deficiency (Kallmann Syndrome 5). Identifiers: Orphanet 478, MedGen C3552553, MONDO:0012880, OMIM 612370. Disease mechanism: loss of function.
CHD7-related disorder. Also called: CHD7-related condition.

Allele frequency attached by ClinVar (database versions not stated): ExAC 0.00001; gnomAD exomes 0.00001 and 0.00002.
gnomAD v4.1: 10 of 1,614,004 alleles (0.00062%); highest among the groups gnomAD compares: Admixed American, 0.0033%; no homozygotes.

Submissions (3):

PreventionGenetics, part of Exact Sciences
Classification: Uncertain significance for CHD7-related condition. Last evaluated: 2025-10-24. Review status: criteria provided, single submitter. Criteria: ACMG Guidelines, 2015. Collection method: clinical testing. Allele origin: germline.
Comment: The CHD7 c.7678C>T variant is predicted to result in the amino acid substitution p.Pro2560Ser. To our knowledge, this variant has not been reported in the literature. This variant is reported in 0.0029% of alleles in individuals of Latino descent in gnomAD. At this time, the clinical significance of this variant is uncertain due to the absence of conclusive functional and genetic evidence.

Labcorp Genetics (formerly Invitae), Labcorp
Classification: Likely benign for CHARGE syndrome. Last evaluated: 2025-06-03. Review status: criteria provided, single submitter. Criteria: Invitae Variant Classification Sherloc (09022015). Collection method: clinical testing. Allele origin: germline.

Fulgent Genetics
Classification: Uncertain significance for CHD7-related CHARGE syndrome; Hypogonadotropic hypogonadism 5 with or without anosmia. Last evaluated: 2022-03-29. Review status: criteria provided, single submitter. Criteria: ACMG Guidelines, 2015. Collection method: clinical testing. Allele origin: unknown.